The following is an entry in ClinVar:

ClinVar aggregate classification (germline): Pathogenic. Review status: criteria provided, multiple submitters, no conflicts (2 of 4 stars). 2 submissions from 2 submitters: Pathogenic (2). Last evaluated 2025-10-05.

Conditions:
Oculodentodigital dysplasia, autosomal recessive. Also called: OCULODENTOOSSEOUS DYSPLASIA, AUTOSOMAL RECESSIVE; ODDD, AUTOSOMAL RECESSIVE; ODOD, AUTOSOMAL RECESSIVE. Identifiers: Orphanet 2710, MedGen C2749477, MONDO:0009768, OMIM 257850.
Oculodentodigital dysplasia (ODDD). Also called: ODD SYNDROME; Oculodentodigital syndrome. Identifiers: Orphanet 2710, MedGen C0812437, MONDO:0008111, OMIM 164200.

Submissions (2):

Labcorp Genetics (formerly Invitae), Labcorp
Classification: Pathogenic for Oculodentodigital dysplasia, autosomal recessive. Last evaluated: 2025-10-05. Review status: criteria provided, single submitter. Criteria: Invitae Variant Classification Sherloc (09022015). Collection method: clinical testing. Allele origin: germline.
Comment: This sequence change replaces glycine, which is neutral and non-polar, with serine, which is neutral and polar, at codon 138 of the GJA1 protein (p.Gly138Ser). This variant is not present in population databases (gnomAD no frequency). This missense change has been observed in individuals with autosomal dominant oculodentodigital dysplasia (PMID: 18946008, 19338053, 25388818). ClinVar contains an entry for this variant (Variation ID: 537756). Invitae Evidence Modeling of protein sequence and biophysical properties (such as structural, functional, and spatial information, amino acid conservation, physicochemical variation, residue mobility, and thermodynamic stability) has been performed for this missense variant. However, the output from this modeling did not meet the statistical confidence thresholds required to predict the impact of this variant on GJA1 protein function. This variant disrupts the p.Gly138 amino acid residue in GJA1. Other variant(s) that disrupt this residue have been determined to be pathogenic (PMID: 18003637, 18946008, 19338053, 27226478; internal data). This suggests that this residue is clinically significant, and that variants that disrupt this residue are likely to be disease-causing. For these reasons, this variant has been classified as Pathogenic.

3billion
Classification: Pathogenic for Oculodentodigital dysplasia. Last evaluated: 2025-08-14. Review status: criteria provided, single submitter. Criteria: ACMG Guidelines, 2015. Collection method: clinical testing. Allele origin: germline. Affected: yes.
Comment: The variant is not observed in the gnomAD v4.1.0 dataset. Predicted Consequence/Location: Missense variant. Missense changes are a common disease-causing mechanism. In silico tool predictions suggest damaging effect of the variant on gene or gene product [REVEL: 0.64 (>=0.6, sensitivity 0.68 and specificity 0.92); 3Cnet: 0.97 (> 0.75, sensitivity 0.96 and precision 0.92)]. The same nucleotide change resulting in the same amino acid change has been previously reported as pathogenic/likely pathogenic with strong evidence (ClinVar ID: VCV000537756 /PMID: 18946008 /3billion dataset). The variant has been observed in at least two similarly affected unrelated individuals (PMID: 18946008, 19338053, 25388818). Different missense changes at the same codon (p.Gly138Arg, p.Gly138Asp) have been reported as pathogenic/likely pathogenic with strong evidence (ClinVar ID: VCV000470216 /PMID: 12457340, 18946008). Therefore, this variant is classified as Pathogenic according to the recommendation of ACMG/AMP guideline.

Literature cited by the submitters: PubMed 18946008 (cited by Labcorp Genetics (formerly Invitae), Labcorp and 3billion); PubMed 19338053 (cited by Labcorp Genetics (formerly Invitae), Labcorp and 3billion); PubMed 25388818 (cited by Labcorp Genetics (formerly Invitae), Labcorp and 3billion); PubMed 18003637 (cited by Labcorp Genetics (formerly Invitae), Labcorp); PubMed 27226478 (cited by Labcorp Genetics (formerly Invitae), Labcorp); PubMed 12457340 (cited by 3billion).

NM_000165.5(GJA1):c.412G>A (p.Gly138Ser)

Gene: GJA1 (gap junction protein alpha 1; plus strand). Cytogenetic location: 6q22.31.
Variant type: single nucleotide variant.
Coding change: c.412G>A on transcript NM_000165.5 (MANE Select); coding-DNA position 412, G replaced by A.
Protein change: p.Gly138Ser; replaces glycine 138 with serine.
Molecular consequence: missense variant.
Genome position (GRCh38, 1-based): chr6:121,447,259, G>A. VCF-style: chr6-121447259-G-A. GRCh37 (hg19) VCF-style: chr6-121768405-G-A.
Other names: short protein forms G138S.
Identifiers: ClinVar variation 537756 (VCV000537756.10), dbSNP rs1554201018, ClinGen allele CA365558954.